The following is an entry in ClinVar:

NM_001429.4(EP300):c.4608A>G (p.Glu1536=)

Gene: EP300 (EP300 lysine acetyltransferase; plus strand). Cytogenetic location: 22q13.2.
Variant type: single nucleotide variant.
Coding change: c.4608A>G on transcript NM_001429.4 (MANE Select); coding-DNA position 4608, A replaced by G.
Protein change: p.Glu1536=; no amino-acid change (glutamic acid 1536 retained).
Molecular consequence: synonymous variant.
Genome position (GRCh38, 1-based): chr22:41,172,654, A>G. VCF-style: chr22-41172654-A-G. GRCh37 (hg19) VCF-style: chr22-41568658-A-G.
Other names: c.4530A>G, p.Glu1510= (NM_001362843.2).
Identifiers: ClinVar variation 2653208 (VCV002653208.24), dbSNP rs2145770530, ClinGen allele CA514650478.

ClinVar aggregate classification (germline): Likely benign (1 of 4 stars; one submission).

Submission:

CeGaT Center for Human Genetics Tuebingen
Classification: Likely benign. Last evaluated: 2022-03-01. Review status: criteria provided, single submitter. Criteria: CeGaT Center For Human Genetics Tuebingen Variant Classification Criteria Version 2. Collection method: clinical testing. Allele origin: germline. Affected: yes. Observed: 1 variant allele.
Comment: EP300: BP4, BP7